The following is an entry in ClinVar:

NM_032242.4(PLXNA1):c.510G>A (p.Ala170=)

Gene: PLXNA1 (plexin A1; plus strand). Cytogenetic location: 3q21.3.
Variant type: single nucleotide variant.
Coding change: c.510G>A on transcript NM_032242.4 (MANE Select); coding-DNA position 510, G replaced by A.
Protein change: p.Ala170=; no amino-acid change (alanine 170 retained).
Molecular consequence: synonymous variant.
Genome position (GRCh38, 1-based): chr3:126,989,103, G>A. VCF-style: chr3-126989103-G-A. GRCh37 (hg19) VCF-style: chr3-126707946-G-A.
Identifiers: ClinVar variation 4984244 (VCV004984244.1).

ClinVar aggregate classification (germline): Likely benign (1 of 4 stars; one submission).

Conditions:
PLXNA1-related disorder. Also called: PLXNA1-related condition.

gnomAD v4.1: 7 of 1,613,012 alleles (0.00043%); highest among the groups gnomAD compares: Admixed American, 0.0033%; no homozygotes.

Submission:

PreventionGenetics, part of Exact Sciences
Classification: Likely benign for PLXNA1-related condition. Last evaluated: 2025-01-23. Review status: criteria provided, single submitter. Criteria: ACMG Guidelines, 2015. Collection method: clinical testing. Allele origin: germline.
Comment: This variant is classified as likely benign based on ACMG/AMP sequence variant interpretation guidelines (Richards et al. 2015 PMID: 25741868, with internal and published modifications).